The following is an entry in ClinVar:

NM_001195263.2(PDZD7):c.2368_2377del (p.Lys790fs)

Gene: PDZD7 (PDZ domain containing 7; minus strand). Cytogenetic location: 10q24.31.
Variant type: Deletion.
Coding change: c.2368_2377del on transcript NM_001195263.2 (MANE Select); coding-DNA positions 2368 to 2377, 10 bases deleted (AAGTCTCCAG; older notation c.2368_2377delAAGTCTCCAG).
Protein change: p.Lys790fs; shifts the reading frame from lysine 790.
Molecular consequence: frameshift variant.
Genome position (GRCh38, 1-based): chr10:101,010,512-101,010,521, CTGGAGACTT deleted on the plus strand (AAGTCTCCAG on the coding strand, the reverse complement: PDZD7 is on the minus strand). VCF-style (leftmost placement, unchanged base first): chr10-101010511-CCTGGAGACTT-C. GRCh37 (hg19) VCF-style: chr10-102770268-CCTGGAGACTT-C.
Other names: short protein forms K790fs.
Identifiers: ClinVar variation 3601633 (VCV003601633.1).

ClinVar aggregate classification (germline): Likely pathogenic (1 of 4 stars; one submission).

Conditions:
Hearing loss, autosomal recessive 57. Also called: DEAFNESS, AUTOSOMAL RECESSIVE 57. Identifiers: MedGen C4693893, MONDO:0033201, OMIM 618003.

Submission:

Institute of Rare Diseases, West China Hospital, Sichuan University
Classification: Likely pathogenic for Hearing loss, autosomal recessive 57. Last evaluated: 2025-01-09. Review status: criteria provided, single submitter. Criteria: ClinGen HL ACMG Specifications v1. Collection method: research. Allele origin: germline. Affected: yes.
Comment: PVS1;PM2_Supporting